The following is an entry in ClinVar:

NM_001267550.2(TTN):c.18295C>T (p.Leu6099Phe)

Genes: TTN (titin; minus strand), LOC126806430 (BRD4-independent group 4 enhancer GRCh37_chr2:179593794-179594993; plus strand). Cytogenetic location: 2q31.2.
Variant type: single nucleotide variant.
Coding change: c.18295C>T on transcript NM_001267550.2 (MANE Select); coding-DNA position 18295, C replaced by T.
Protein change: p.Leu6099Phe; replaces leucine 6099 with phenylalanine.
Molecular consequence: missense variant. On other transcripts: intron variant (3).
Genome position (GRCh38, 1-based): chr2:178,730,105, G>A on the plus strand (C>T on the coding strand, the complement: TTN is on the minus strand). VCF-style: chr2-178730105-G-A. GRCh37 (hg19) VCF-style: chr2-179594832-G-A.
Other names: c.17344C>T, p.Leu5782Phe (NM_001256850.1); c.14563C>T, p.Leu4855Phe (NM_133378.4); c.13282+7977C>T (NM_003319.4); c.13858+7977C>T (NM_133437.4); c.13657+7977C>T (NM_133432.3); short protein forms L4855F, L6099F, L5782F.
Identifiers: ClinVar variation 263438 (VCV000263438.21), dbSNP rs370109572, ClinGen allele CA2001646.
Genomic context (GRCh38, chr2:178,730,105, plus strand): 5'-CAAGAAAATCTAGACAAGCAAGAAAGTGAGGAGATGTAGAGACCAGACCTTTTACAAAGA[G>A]AGTGGCTTTGCTGGTTGCTGTGCCAACATCATTGCTTAGTTGGCAAATGTAGGTTCCAGA-3'
Protein context (NP_001254479.2, residues 6089-6109): DVGTATSKAT[Leu6099Phe]FVKEPPQFIK

ClinVar aggregate classification (germline): Conflicting classifications of pathogenicity. Review status: criteria provided, conflicting classifications (1 of 4 stars). 9 submissions from 9 submitters: Uncertain significance (5); Likely benign (1). 3 of the submissions do not count toward it. Last evaluated 2025-10-30.

Conditions:
TTN-related disorder. Also called: TTN-related condition; TTN-related disease; TTN-related disorders.
Cardiovascular phenotype. Identifiers: MedGen CN230736.
Cardiomyopathy (CMYO). Also called: Cardiomyopathies. Identifiers: Orphanet 167848, MedGen C0878544, MONDO:0004994, HP:0001638. Inheritance: Various modes of inheritance.

Allele frequency attached by ClinVar (database versions not stated): TOPMed 0.00005; ESP Exome Variant Server 0.00008; gnomAD 0.00010.
gnomAD v4.1: 128 of 1,588,684 alleles (0.0081%); highest among the groups gnomAD compares: Non-Finnish European, 0.011%; no homozygotes.

Submissions (9):

Women's Health and Genetics/Laboratory Corporation of America, LabCorp
Classification: Uncertain significance. Last evaluated: 2025-10-30. Review status: criteria provided, single submitter. Criteria: LabCorp Variant Classification Summary - May 2015. Collection method: clinical testing. Allele origin: germline.
Comment: Variant summary: TTN c.14563C>T (p.Leu4855Phe) results in a non-conservative amino acid change in the encoded protein sequence. Algorithms developed to predict the effect of missense changes on protein structure and function are either unavailable or do not agree on the potential impact of this missense change. The variant allele was found at a frequency of 4.9e-05 in 246892 control chromosomes. This frequency is not significantly higher than estimated for disease-causing variants in TTN, allowing no conclusion about variant significance. c.14563C>T has been observed in individuals affected with dilated cardiomyopathy (Roncarati_2013). These reports do not provide unequivocal conclusions about association of the variant with Autosomal Recessive Titinopathy. To our knowledge, no experimental evidence demonstrating an impact on protein function has been reported. The following publication have been ascertained in the context of this evaluation (PMID: 23463027). ClinVar contains an entry for this variant (Variation ID: 263438). Based on the evidence outlined above, the variant was classified as uncertain significance.

PreventionGenetics, part of Exact Sciences
Classification: Uncertain significance for TTN-related condition. Last evaluated: 2025-10-26. Review status: criteria provided, single submitter. Criteria: ACMG Guidelines, 2015. Collection method: clinical testing. Allele origin: germline.
Comment: The TTN c.18295C>T variant is predicted to result in the amino acid substitution p.Leu6099Phe. This variant has been reported in a family with dilated cardiomyopathy who also had an LMNA variant (reported as c.14563C>T, p.Leu4855Phe in transcript NM_133378, Roncarati et al. 2013. PubMed ID: 23463027). This variant is reported in 0.010% of alleles in individuals of European (Non-Finnish) descent in gnomAD and has conflicting interpretations regarding its pathogenicity in ClinVar, ranging from likely benign to uncertain (Variation ID: 263438). At this time, the clinical significance of this variant is uncertain due to the absence of conclusive functional and genetic evidence.

CHEO Genetics Diagnostic Laboratory, Children's Hospital of Eastern Ontario
Classification: Uncertain significance for Cardiomyopathy. Last evaluated: 2022-08-04. Review status: criteria provided, single submitter. Criteria: ACMG Guidelines, 2015. Collection method: clinical testing. Allele origin: germline.

GeneDx
Classification: Likely benign. Last evaluated: 2021-03-29. Review status: criteria provided, single submitter. Criteria: GeneDx Variant Classification Process June 2021. Collection method: clinical testing. Allele origin: germline. Affected: yes.
Comment: This variant is associated with the following publications: (PMID: 23463027, 30764827, 27493940)

Eurofins Ntd Llc (ga)
Classification: Uncertain significance. Last evaluated: 2016-02-04. Review status: criteria provided, single submitter. Criteria: EGL Classification Definitions 2015. Collection method: clinical testing. Allele origin: germline. Observed: 2 variant alleles, 2 heterozygotes.

Ambry Genetics
Classification: Uncertain significance for Cardiovascular phenotype. Last evaluated: 2013-01-13. Review status: criteria provided, single submitter. Criteria: Ambry Autosomal Dominant and X-Linked criteria (10/2015). Collection method: clinical testing. Allele origin: germline. Observed: 1 variant allele.
Comment: There is insufficient or conflicting evidence for classification of this alteration.

Diagnostic Laboratory, Department of Genetics, University Medical Center Groningen
Classification: Uncertain significance. Review status: no assertion criteria provided. Collection method: clinical testing. Allele origin: germline. Affected: yes. Study: VKGL Data-share Consensus. Not counted in ClinVar's aggregate classification.

Joint Genome Diagnostic Labs from Nijmegen and Maastricht, Radboudumc and MUMC+
Classification: Uncertain significance. Review status: no assertion criteria provided. Collection method: clinical testing. Allele origin: germline. Affected: yes. Study: VKGL Data-share Consensus. Not counted in ClinVar's aggregate classification.

Laboratory of Diagnostic Genome Analysis, Leiden University Medical Center (LUMC)
Classification: Uncertain significance. Review status: no assertion criteria provided. Collection method: clinical testing. Allele origin: germline. Affected: yes. Study: VKGL Data-share Consensus. Not counted in ClinVar's aggregate classification.

Literature cited by the submitters: PubMed 23463027 (cited by Women's Health and Genetics/Laboratory Corporation of America, LabCorp and Eurofins Ntd Llc (ga)).